The following is an entry in ClinVar:

NM_001374736.1(DST):c.18072C>T (p.Ser6024=)

Gene: DST (dystonin; minus strand). Cytogenetic location: 6p12.1.
Variant type: single nucleotide variant.
Coding change: c.18072C>T on transcript NM_001374736.1 (MANE Select); coding-DNA position 18072, C replaced by T.
Protein change: p.Ser6024=; no amino-acid change (serine 6024 retained).
Molecular consequence: synonymous variant.
Genome position (GRCh38, 1-based): chr6:56,526,418, G>A on the plus strand (C>T on the coding strand, the complement: DST is on the minus strand). VCF-style: chr6-56526418-G-A. GRCh37 (hg19) VCF-style: chr6-56391216-G-A.
Other names: c.11715C>T, p.Ser3905= (NM_001144769.5); c.11301C>T, p.Ser3767= (NM_001144770.2); c.18072C>T, p.Ser6024= (NM_001374722.1); c.17112C>T, p.Ser5704= (NM_001374729.1); c.10854C>T, p.Ser3618= (NM_001374730.1); c.18099C>T, p.Ser6033= (NM_001374734.1); c.11181C>T, p.Ser3727= (NM_001386100.1, NM_183380.4); c.10203C>T, p.Ser3401= (NM_015548.5).
Identifiers: ClinVar variation 1157279 (VCV001157279.33), dbSNP rs747333827, ClinGen allele CA3867308.

ClinVar aggregate classification (germline): Likely benign. Review status: criteria provided, multiple submitters, no conflicts (2 of 4 stars). 2 submissions from 2 submitters: Likely benign (2). Last evaluated 2025-07-05.

Conditions:
Hereditary sensory and autonomic neuropathy type 6. Also called: HSAN VI; Neuropathy, hereditary sensory and autonomic, type VI. Identifiers: Orphanet 314381, MedGen C3539003, MONDO:0013839, OMIM 614653.
Epidermolysis bullosa simplex 3, localized or generalized intermediate, with BP230 deficiency (EBS3). Also called: Epidermolysis bullosa simplex due to BP230 deficiency; Epidermolysis bullosa simplex, autosomal recessive 2. Identifiers: Orphanet 412181, MedGen C3809470, MONDO:0014180, OMIM 615425.

Allele frequency attached by ClinVar (database versions not stated): ExAC 0.00001; gnomAD 0.00001; gnomAD exomes 0.00001; TOPMed 0.00002.
gnomAD v4.1: 16 of 1,613,612 alleles (0.00099%); highest among the groups gnomAD compares: African/African-American, 0.0013%; no homozygotes.

Submissions (2):

Labcorp Genetics (formerly Invitae), Labcorp
Classification: Likely benign for Epidermolysis bullosa simplex 3, localized or generalized intermediate, with BP230 deficiency; Hereditary sensory and autonomic neuropathy type 6. Last evaluated: 2025-07-05. Review status: criteria provided, single submitter. Criteria: Invitae Variant Classification Sherloc (09022015). Collection method: clinical testing. Allele origin: germline.

CeGaT Center for Human Genetics Tuebingen
Classification: Likely benign. Last evaluated: 2023-04-01. Review status: criteria provided, single submitter. Criteria: CeGaT Center For Human Genetics Tuebingen Variant Classification Criteria Version 2. Collection method: clinical testing. Allele origin: germline. Affected: yes. Observed: 1 variant allele.
Comment: DST: BP4, BP7